The following is an entry in ClinVar:

NM_001106.4(ACVR2B):c.*1375C>T

Gene: ACVR2B (activin A receptor type 2B; plus strand). Cytogenetic location: 3p22.2.
Variant type: single nucleotide variant.
Coding change: c.*1375C>T on transcript NM_001106.4 (MANE Select); 1375 bases downstream of the stop codon, C replaced by T.
Molecular consequence: 3 prime UTR variant.
Genome position (GRCh38, 1-based): chr3:38,484,707, C>T. VCF-style: chr3-38484707-C-T. GRCh37 (hg19) VCF-style: chr3-38526198-C-T.
Identifiers: ClinVar variation 344944 (VCV000344944.5), dbSNP rs193122447, ClinGen allele CA10615728.

ClinVar aggregate classification (germline): Benign (1 of 4 stars; one submission).

Conditions:
Heterotaxy, visceral, 4, autosomal (HTX4). Identifiers: Orphanet 450, MedGen C3151057, MONDO:0013403, OMIM 613751.

Allele frequency attached by ClinVar (database versions not stated): 1000 Genomes Project 0.00060; 1000 Genomes Project 30x 0.00078; gnomAD 0.00283 and 0.00318; TOPMed 0.00359.

Submission:

Illumina Laboratory Services, Illumina
Classification: Benign for Heterotaxy, visceral, 4, autosomal. Last evaluated: 2018-01-13. Review status: criteria provided, single submitter. Criteria: ICSL Variant Classification Criteria 13 December 2019. Collection method: clinical testing. Allele origin: germline.
Comment: This variant was observed in the ICSL laboratory as part of a predisposition screen in an ostensibly healthy population. It had not been previously curated by ICSL or reported in the Human Gene Mutation Database (HGMD: prior to June 1st, 2018), and was therefore a candidate for classification through an automated scoring system. Utilizing variant allele frequency, disease prevalence and penetrance estimates, and inheritance mode, an automated score was calculated to assess if this variant is too frequent to cause the disease. Based on the score and internal cut-off values, a variant classified as benign is not then subjected to further curation. The score for this variant resulted in a classification of benign for this disease.